The following is an entry in ClinVar:

ClinVar aggregate classification (germline): Uncertain significance. Review status: criteria provided, multiple submitters, no conflicts (2 of 4 stars). 3 submissions from 3 submitters: Uncertain significance (3). Last evaluated 2025-04-14.

Conditions:
Inborn genetic diseases. Identifiers: MedGen C0950123, MeSH D030342.

Allele frequency attached by ClinVar (database versions not stated): gnomAD 0.00008 and 0.00010; TOPMed 0.00009; 1000 Genomes Project 0.00040; 1000 Genomes Project 30x 0.00062.
gnomAD v4.1: 29 of 1,614,094 alleles (0.0018%); highest among the groups gnomAD compares: African/African-American, 0.029%; no homozygotes.

Submissions (3):

Ambry Genetics
Classification: Uncertain significance for Inborn genetic diseases. Last evaluated: 2025-04-14. Review status: criteria provided, single submitter. Criteria: Ambry Variant Classification Scheme 2023. Collection method: clinical testing. Allele origin: germline.

Labcorp Genetics (formerly Invitae), Labcorp
Classification: Uncertain significance. Last evaluated: 2025-02-17. Review status: criteria provided, single submitter. Criteria: Invitae Variant Classification Sherloc (09022015). Collection method: clinical testing. Allele origin: germline.
Comment: This sequence change replaces glutamine, which is neutral and polar, with glutamic acid, which is acidic and polar, at codon 451 of the RGS9 protein (p.Gln451Glu). This variant is present in population databases (rs577900681, gnomAD 0.04%). This variant has not been reported in the literature in individuals affected with RGS9-related conditions. ClinVar contains an entry for this variant (Variation ID: 1520669). Invitae Evidence Modeling of protein sequence and biophysical properties (such as structural, functional, and spatial information, amino acid conservation, physicochemical variation, residue mobility, and thermodynamic stability) indicates that this missense variant is not expected to disrupt RGS9 protein function with a negative predictive value of 80%. In summary, the available evidence is currently insufficient to determine the role of this variant in disease. Therefore, it has been classified as a Variant of Uncertain Significance.

Blueprint Genetics
Classification: Uncertain significance. Last evaluated: 2021-05-26. Review status: criteria provided, single submitter. Criteria: ACMG Guidelines, 2015. Collection method: clinical testing. Allele origin: germline.

NM_003835.4(RGS9):c.1351C>G (p.Gln451Glu)

Gene: RGS9 (regulator of G protein signaling 9; plus strand). Cytogenetic location: 17q24.1.
Variant type: single nucleotide variant.
Coding change: c.1351C>G on transcript NM_003835.4 (MANE Select); coding-DNA position 1351, C replaced by G.
Protein change: p.Gln451Glu; replaces glutamine 451 with glutamic acid.
Molecular consequence: missense variant.
Genome position (GRCh38, 1-based): chr17:65,210,549, C>G. VCF-style: chr17-65210549-C-G. GRCh37 (hg19) VCF-style: chr17-63206667-C-G.
Other names: c.1342C>G, p.Gln448Glu (NM_001081955.3, NM_001165933.2); c.1351C>G (NM_003835.3); short protein forms Q451E, Q448E.
Identifiers: ClinVar variation 1520669 (VCV001520669.7), dbSNP rs577900681, ClinGen allele CA8718013.